The following is an entry in ClinVar:

ClinVar aggregate classification (germline): Pathogenic/Likely pathogenic. Review status: criteria provided, multiple submitters, no conflicts (2 of 4 stars). 3 submissions from 3 submitters: Pathogenic (1); Likely pathogenic (2). Last evaluated 2025-05-31.

Conditions:
Nephronophthisis 15 (NPHP15). Identifiers: Orphanet 3156, MedGen C3541853, MONDO:0013917, OMIM 614845.
CEP164-related disorder. Also called: CEP164-related condition.

Submissions (3):

Variantyx, Inc.
Classification: Likely pathogenic for Nephronophthisis 15. Last evaluated: 2025-05-31. Review status: criteria provided, single submitter. Criteria: Variantyx Assertion Criteria 2022. Collection method: clinical testing. Allele origin: germline. Inheritance: Autosomal recessive inheritance. Affected: no.
Comment: This is a frameshift variant in the CEP164 gene (OMIM: 614848). Pathogenic variants in this gene have been associated with autosomal recessive nephronophthisis 15. This variant introduces a premature termination codon in exon 21 out of 33 and is expected to result in loss of function, which is a known disease mechanism for CEP164 in this disorder (PVS1) (PMID:34499853,22863007,37324592). This variant has a 0.0007% maximum allele frequency in non-founder control populations (PM2). Based on the current evidence, this variant is classified as likely pathogenic for autosomal recessive nephronophthisis 15.

PreventionGenetics, part of Exact Sciences
Classification: Likely pathogenic for CEP164-related condition. Last evaluated: 2025-05-29. Review status: criteria provided, single submitter. Criteria: ACMG Guidelines, 2015. Collection method: clinical testing. Allele origin: germline.
Comment: The CEP164 c.2688_2691delACGA variant is predicted to result in a frameshift and premature protein termination (p.Arg897Asnfs*5). To our knowledge, this variant has not been reported in the literature or in a large population database (gnomAD), indicating this variant is rare. Frameshift variants in CEP164 are expected to be pathogenic. This variant is interpreted as likely pathogenic.

Labcorp Genetics (formerly Invitae), Labcorp
Classification: Pathogenic for Nephronophthisis 15. Last evaluated: 2021-12-13. Review status: criteria provided, single submitter. Criteria: Invitae Variant Classification Sherloc (09022015). Collection method: clinical testing. Allele origin: germline.
Comment: For these reasons, this variant has been classified as Pathogenic. This variant has not been reported in the literature in individuals affected with CEP164-related conditions. This variant is not present in population databases (gnomAD no frequency). This sequence change creates a premature translational stop signal (p.Arg897Asnfs*5) in the CEP164 gene. It is expected to result in an absent or disrupted protein product. Loss-of-function variants in CEP164 are known to be pathogenic (PMID: 22863007, 28125082, 32367404, 34132027, 34499853).

Literature cited by the submitters: PubMed 34499853 (cited by Variantyx, Inc. and Labcorp Genetics (formerly Invitae), Labcorp); PubMed 22863007 (cited by Variantyx, Inc. and Labcorp Genetics (formerly Invitae), Labcorp); PubMed 37324592 (cited by Variantyx, Inc.); PubMed 28125082 (cited by Labcorp Genetics (formerly Invitae), Labcorp); PubMed 32367404 (cited by Labcorp Genetics (formerly Invitae), Labcorp); PubMed 34132027 (cited by Labcorp Genetics (formerly Invitae), Labcorp).

NM_014956.5(CEP164):c.2688_2691del (p.Arg897fs)

Gene: CEP164 (centrosomal protein 164; plus strand). Cytogenetic location: 11q23.3.
Variant type: Deletion.
Coding change: c.2688_2691del on transcript NM_014956.5 (MANE Select); coding-DNA positions 2688 to 2691, 4 bases deleted (ACGA; older notation c.2688_2691delACGA).
Protein change: p.Arg897fs; shifts the reading frame from arginine 897.
Molecular consequence: frameshift variant.
Genome position (GRCh38, 1-based): chr11:117,394,421-117,394,424, ACGA deleted; deleting any 4 consecutive bases within chr11:117,394,419-117,394,424 gives the same sequence; the c. name uses the placement nearest the transcript's 3' end. VCF-style (leftmost placement, unchanged base first): chr11-117394418-TGAAC-T. GRCh37 (hg19) VCF-style: chr11-117265134-TGAAC-T.
Other names: c.2688_2691delACGA (NM_014956.4); c.2697_2700del, p.Arg900fs (NM_001271933.2); short protein forms R900fs, R897fs.
Identifiers: ClinVar variation 1405576 (VCV001405576.7), dbSNP rs1317765862, ClinGen allele CA672283890.
Genomic context (GRCh38, chr11:117,394,418, plus strand): 5'-GCAGCGGGCTGAGCTTCTGGGGCACCTGACCGGAGAGCTGGAGCGCCTGCAGAGGGCCCA[TGAAC>T]GAGAACTGGAGACTGTGAGGCAGGAGCAACACAAGCGTCTTGAGGACTTGCGGCGCCGGC-3'